The following is an entry in ClinVar:

ClinVar aggregate classification (germline): Pathogenic (1 of 4 stars; one submission).

Conditions:
Congenital dyserythropoietic anemia, type II (CDAN2). Also called: DYSERYTHROPOIETIC ANEMIA, HEMPAS TYPE. Identifiers: Orphanet 98873, MedGen C1306589, MONDO:0009134, OMIM 224100.
Cowden syndrome 7 (CWS7). Identifiers: Orphanet 201, MedGen C4225179, MONDO:0014802, OMIM 616858.

Submission:

Labcorp Genetics (formerly Invitae), Labcorp
Classification: Pathogenic for Congenital dyserythropoietic anemia, type II; Cowden syndrome 7. Last evaluated: 2024-05-20. Review status: criteria provided, single submitter. Criteria: Invitae Variant Classification Sherloc (09022015). Collection method: clinical testing. Allele origin: germline.
Comment: This sequence change creates a premature translational stop signal (p.Arg611Glyfs*4) in the SEC23B gene. It is expected to result in an absent or disrupted protein product. Loss-of-function variants in SEC23B are known to be pathogenic (PMID: 19561605, 25044164). This variant is not present in population databases (gnomAD no frequency). This variant has not been reported in the literature in individuals affected with SEC23B-related conditions. For these reasons, this variant has been classified as Pathogenic.

Literature cited by the submitters: PubMed 19561605; PubMed 25044164.

NM_006363.6(SEC23B):c.1831del (p.Arg611fs)

Gene: SEC23B (SEC23 homolog B, COPII component; plus strand). Cytogenetic location: 20p11.23.
Variant type: Deletion.
Coding change: c.1831del on transcript NM_006363.6 (MANE Select); coding-DNA position 1831, one base deleted (C; older notation c.1831delC).
Protein change: p.Arg611fs; shifts the reading frame from arginine 611.
Molecular consequence: frameshift variant.
Genome position (GRCh38, 1-based): chr20:18,548,696, C deleted; the last of 3 consecutive C bases (chr20:18,548,694-18,548,696); deleting any one gives the same sequence. VCF-style (leftmost placement, unchanged base first): chr20-18548693-GC-G. GRCh37 (hg19) VCF-style: chr20-18529337-GC-G.
Other names: c.1831del, p.Arg611fs (NM_001172745.3, NM_032985.6, NM_032986.5); c.1777del, p.Arg593fs (NM_001172746.3); short protein forms R611fs, R593fs.
Identifiers: ClinVar variation 2948437 (VCV002948437.3), dbSNP rs2517513022, ClinGen allele CA2652044846.